The following is an entry in ClinVar:

NM_006180.6(NTRK2):c.1396+11269_1396+11278del

Gene: NTRK2 (neurotrophic receptor tyrosine kinase 2; plus strand). Cytogenetic location: 9q21.33.
Variant type: Deletion.
Coding change: c.1396+11269_1396+11278del on transcript NM_006180.6 (MANE Select); bases 11269 to 11278 of the intron after coding-DNA position 1396, 10 bases deleted (ACTGACTCTC; older notation c.1396+11269_1396+11278delACTGACTCTC).
Molecular consequence: intron variant.
Genome position (GRCh38, 1-based): chr9:84,763,354-84,763,363, ACTGACTCTC deleted; deleting any 10 consecutive bases within chr9:84,763,351-84,763,363 gives the same sequence; the c. name uses the placement nearest the transcript's 3' end. VCF-style (leftmost placement, unchanged base first): chr9-84763350-CCTCACTGACT-C. GRCh37 (hg19) VCF-style: chr9-87378265-CCTCACTGACT-C.
Other names: c.1396+11269_1396+11278del (NM_001369532.1, NM_001369533.1, NM_001018066.3 and 14 more transcripts); c.1357+11269_1357+11278del (NM_001291937.2, NM_001369546.1); c.*33+2082_*33+2091del (NM_001369547.1); c.1360+11269_1360+11278del (NM_001369534.1); c.928+11269_928+11278del (NM_001369536.1, NM_001369535.1, NM_001369550.1 and 2 more transcripts).
Identifiers: ClinVar variation 3389389 (VCV003389389.14).

ClinVar aggregate classification (germline): Benign (1 of 4 stars; one submission).

Submission:

CeGaT Center for Human Genetics Tuebingen
Classification: Benign. Last evaluated: 2025-12-01. Review status: criteria provided, single submitter. Criteria: CeGaT Center For Human Genetics Tuebingen Variant Classification Criteria Version 2. Collection method: clinical testing. Allele origin: germline. Affected: yes. Observed: 9 variant alleles.
Comment: NTRK2: BP4, BS1, BS2